The following is an entry in ClinVar:

NM_001197104.2(KMT2A):c.2929G>A (p.Gly977Ser)

Gene: KMT2A (lysine methyltransferase 2A; plus strand). Cytogenetic location: 11q23.3.
Variant type: single nucleotide variant.
Coding change: c.2929G>A on transcript NM_001197104.2 (MANE Select); coding-DNA position 2929, G replaced by A.
Protein change: p.Gly977Ser; replaces glycine 977 with serine.
Molecular consequence: missense variant.
Genome position (GRCh38, 1-based): chr11:118,474,088, G>A. VCF-style: chr11-118474088-G-A. GRCh37 (hg19) VCF-style: chr11-118344803-G-A.
Other names: c.2929G>A, p.Gly977Ser (NM_005933.4); short protein forms G977S.
Identifiers: ClinVar variation 1679683 (VCV001679683.3), dbSNP rs782439084, ClinGen allele CA6303580.

ClinVar aggregate classification (germline): Uncertain significance. Review status: criteria provided, multiple submitters, no conflicts (2 of 4 stars). 2 submissions from 2 submitters: Uncertain significance (2). Last evaluated 2025-11-23.

Conditions:
Wiedemann-Steiner syndrome (WDSTS). Also called: Growth deficiency and mental retardation with facial dysmorphism. Identifiers: Orphanet 319182, MedGen C1854630, MONDO:0011518, OMIM 605130.

Allele frequency attached by ClinVar (database versions not stated): gnomAD 0.00001; gnomAD exomes 0.00001 and 0.00002; ExAC 0.00002; TOPMed 0.00002.
gnomAD v4.1: 15 of 1,613,898 alleles (0.00093%); highest among the groups gnomAD compares: Admixed American, 0.0033%; no homozygotes.

Submissions (2):

Labcorp Genetics (formerly Invitae), Labcorp
Classification: Uncertain significance. Last evaluated: 2025-11-23. Review status: criteria provided, single submitter. Criteria: Invitae Variant Classification Sherloc (09022015). Collection method: clinical testing. Allele origin: germline.
Comment: This sequence change replaces glycine, which is neutral and non-polar, with serine, which is neutral and polar, at codon 977 of the KMT2A protein (p.Gly977Ser). This variant is present in population databases (rs782439084, gnomAD 0.003%). This variant has not been reported in the literature in individuals affected with KMT2A-related conditions. ClinVar contains an entry for this variant (Variation ID: 1679683). Invitae Evidence Modeling of protein sequence and biophysical properties (such as structural, functional, and spatial information, amino acid conservation, physicochemical variation, residue mobility, and thermodynamic stability) indicates that this missense variant is not expected to disrupt KMT2A protein function with a negative predictive value of 95%. In summary, the available evidence is currently insufficient to determine the role of this variant in disease. Therefore, it has been classified as a Variant of Uncertain Significance.

New York Genome Center
Classification: Uncertain significance for Wiedemann-Steiner syndrome. Last evaluated: 2021-06-11. Review status: criteria provided, single submitter. Criteria: NYGC Assertion Criteria 2020. Collection method: clinical testing. Allele origin: germline. Observed: 1 heterozygote. Study: CSER-NYCKidSeq.